The following is an entry in ClinVar:

ClinVar aggregate classification (germline): Uncertain significance. Review status: criteria provided, multiple submitters, no conflicts (2 of 4 stars). 2 submissions from 2 submitters: Uncertain significance (2). Last evaluated 2024-08-05.

Conditions:
Inborn genetic diseases. Identifiers: MedGen C0950123, MeSH D030342.

gnomAD v4.1: 40 of 1,613,928 alleles (0.0025%); highest among the groups gnomAD compares: Middle Eastern, 0.049%; no homozygotes.

Submissions (2):

Ambry Genetics
Classification: Uncertain significance for Inborn genetic diseases. Last evaluated: 2024-08-05. Review status: criteria provided, single submitter. Criteria: Ambry Variant Classification Scheme 2023. Collection method: clinical testing. Allele origin: germline.

Labcorp Genetics (formerly Invitae), Labcorp
Classification: Uncertain significance. Last evaluated: 2024-07-07. Review status: criteria provided, single submitter. Criteria: Invitae Variant Classification Sherloc (09022015). Collection method: clinical testing. Allele origin: germline.
Comment: This sequence change replaces histidine, which is basic and polar, with arginine, which is basic and polar, at codon 767 of the PIKFYVE protein (p.His767Arg). This variant is present in population databases (rs765638390, gnomAD 0.07%), and has an allele count higher than expected for a pathogenic variant. This variant has not been reported in the literature in individuals affected with PIKFYVE-related conditions. An algorithm developed to predict the effect of missense changes on protein structure and function (PolyPhen-2) suggests that this variant is likely to be disruptive. In summary, the available evidence is currently insufficient to determine the role of this variant in disease. Therefore, it has been classified as a Variant of Uncertain Significance.

NM_015040.4(PIKFYVE):c.2300A>G (p.His767Arg)

Gene: PIKFYVE (phosphoinositide kinase, FYVE-type zinc finger containing; plus strand). Cytogenetic location: 2q34.
Variant type: single nucleotide variant.
Coding change: c.2300A>G on transcript NM_015040.4 (MANE Select); coding-DNA position 2300, A replaced by G.
Protein change: p.His767Arg; replaces histidine 767 with arginine.
Molecular consequence: missense variant.
Genome position (GRCh38, 1-based): chr2:208,324,251, A>G. VCF-style: chr2-208324251-A-G. GRCh37 (hg19) VCF-style: chr2-209188975-A-G.
Other names: short protein forms H767R.
Identifiers: ClinVar variation 3418660 (VCV003418660.3).